The following is an entry in ClinVar:

ClinVar aggregate classification (germline): Uncertain significance (1 of 4 stars; one submission).

Submission:

GeneDx
Classification: Uncertain significance. Last evaluated: 2024-04-06. Review status: criteria provided, single submitter. Criteria: GeneDx Variant Classification Process June 2021. Collection method: clinical testing. Allele origin: germline. Affected: yes.
Comment: Not observed at significant frequency in large population cohorts (gnomAD); In silico analysis indicates that this missense variant does not alter protein structure/function; Has not been previously published as pathogenic or benign to our knowledge

NM_001110556.2(FLNA):c.979C>A (p.Gln327Lys)

Gene: FLNA (filamin A; minus strand). Cytogenetic location: Xq28.
Variant type: single nucleotide variant.
Coding change: c.979C>A on transcript NM_001110556.2 (MANE Select); coding-DNA position 979, C replaced by A.
Protein change: p.Gln327Lys; replaces glutamine 327 with lysine.
Molecular consequence: missense variant.
Genome position (GRCh38, 1-based): chrX:154,366,740, G>T on the plus strand (C>A on the coding strand, the complement: FLNA is on the minus strand). VCF-style: chrX-154366740-G-T. GRCh37 (hg19) VCF-style: chrX-153595108-G-T.
Other names: c.979C>A, p.Gln327Lys (NM_001456.4); short protein forms Q327K.
Identifiers: ClinVar variation 3372148 (VCV003372148.1).